The following is an entry in ClinVar:

ClinVar aggregate classification (germline): Uncertain significance (1 of 4 stars; one submission).

Submission:

Labcorp Genetics (formerly Invitae), Labcorp
Classification: Uncertain significance. Last evaluated: 2021-02-16. Review status: criteria provided, single submitter. Criteria: Invitae Variant Classification Sherloc (09022015). Collection method: clinical testing. Allele origin: germline.
Comment: In summary, the available evidence is currently insufficient to determine the role of this variant in disease. Therefore, it has been classified as a Variant of Uncertain Significance. This variant has not been reported in the literature in individuals with HSD17B3-related conditions. This variant results in a copy number gain of the genomic region encompassing exon(s) 7-11 of the HSD17B3 gene. The 5' boundary is likely confined to intron 6. The 3' end of this event is unknown as it extends beyond the assayed region for this gene and therefore may encompass additional genes. As the precise location of this event is unknown, it may be in tandem or it may be located elsewhere in the genome.

NC_000009.11:g.(?_98638288)_(99008892_?)dup

Genes: ERCC6L2 (ERCC excision repair 6 like 2; plus strand), HSD17B3 (hydroxysteroid 17-beta dehydrogenase 3; minus strand). Cytogenetic location: 9q22.32.
Variant type: Duplication.
Identifiers: ClinVar variation 1510172 (VCV001510172.5).